The following is an entry in ClinVar:

ClinVar aggregate classification (germline): Pathogenic (1 of 4 stars; one submission).

Conditions:
Neurofibromatosis, type 1 (NF1). Also called: Neurofibromatosis, type I; NEUROFIBROMATOSIS, TYPE I, SOMATIC; Peripheral type neurofibromatosis; VON RECKLINGHAUSEN DISEASE. Identifiers: Orphanet 636, MedGen C0027831, MONDO:0018975, OMIM 162200. Disease mechanism: loss of function.

Submission:

Labcorp Genetics (formerly Invitae), Labcorp
Classification: Pathogenic for Neurofibromatosis, type 1. Last evaluated: 2023-06-15. Review status: criteria provided, single submitter. Criteria: Invitae Variant Classification Sherloc (09022015). Collection method: clinical testing. Allele origin: germline.
Comment: This variant has not been reported in the literature in individuals affected with NF1-related conditions. For these reasons, this variant has been classified as Pathogenic. This variant is not present in population databases (gnomAD no frequency). This sequence change creates a premature translational stop signal (p.Ile1803Serfs*36) in the NF1 gene. It is expected to result in an absent or disrupted protein product. Loss-of-function variants in NF1 are known to be pathogenic (PMID: 10712197, 23913538).

Literature cited by the submitters: PubMed 10712197; PubMed 23913538.

NM_001042492.3(NF1):c.5470_5474del (p.Ile1824fs)

Gene: NF1 (neurofibromin 1; plus strand). Cytogenetic location: 17q11.2.
Variant type: Deletion.
Coding change: c.5470_5474del on transcript NM_001042492.3 (MANE Select); coding-DNA positions 5470 to 5474, 5 bases deleted (ATCAT; older notation c.5470_5474delATCAT).
Protein change: p.Ile1824fs; shifts the reading frame from isoleucine 1824.
Molecular consequence: frameshift variant.
Genome position (GRCh38, 1-based): chr17:31,327,700-31,327,704, ATCAT deleted; deleting any 5 consecutive bases within chr17:31,327,699-31,327,704 gives the same sequence; the c. name uses the placement nearest the transcript's 3' end. VCF-style (leftmost placement, unchanged base first): chr17-31327698-CTATCA-C. GRCh37 (hg19) VCF-style: chr17-29654716-CTATCA-C.
Other names: c.5407_5411delATCAT, p.Ile1803Serfs (NM_000267.4); short protein forms I1824fs, I1803fs.
Identifiers: ClinVar variation 2715831 (VCV002715831.3), dbSNP rs2508707011, ClinGen allele CA2697559631.